The following is an entry in ClinVar:

ClinVar aggregate classification (germline): Conflicting classifications of pathogenicity. Review status: criteria provided, conflicting classifications (1 of 4 stars). 5 submissions from 5 submitters: Uncertain significance (1); Likely benign (2). 2 of the submissions do not count toward it. Last evaluated 2025-12-25.

Conditions:
ABCA4-related disorder. Also called: ABCA4-related disorders; ABCA4-related condition. Identifiers: MedGen CN239167.

Allele frequency attached by ClinVar (database versions not stated): TOPMed below 0.00001.
gnomAD v4.1: 62 of 1,613,956 alleles (0.0038%); highest among the groups gnomAD compares: South Asian, 0.056%; 1 homozygote.

Submissions (5):

Labcorp Genetics (formerly Invitae), Labcorp
Classification: Likely benign. Last evaluated: 2025-12-25. Review status: criteria provided, single submitter. Criteria: Invitae Variant Classification Sherloc (09022015). Collection method: clinical testing. Allele origin: germline.

Blueprint Genetics
Classification: Likely benign. Last evaluated: 2022-08-19. Review status: criteria provided, single submitter. Criteria: ACMG Guidelines, 2015. Collection method: clinical testing. Allele origin: germline.

Illumina Laboratory Services, Illumina
Classification: Uncertain significance for ABCA4-Related Disorders. Last evaluated: 2017-04-28. Review status: criteria provided, single submitter. Criteria: ICSL Variant Classification Criteria 13 December 2019. Collection method: clinical testing. Allele origin: germline.

PreventionGenetics, part of Exact Sciences
Classification: Likely benign for ABCA4-related condition. Last evaluated: 2019-04-09. Review status: no assertion criteria provided. Collection method: clinical testing. Allele origin: germline. Not counted in ClinVar's aggregate classification.
Comment: This variant is classified as likely benign based on ACMG/AMP sequence variant interpretation guidelines (Richards et al. 2015 PMID: 25741868, with internal and published modifications).

Retina International
No classification provided. Review status: no classification provided. Collection method: not provided. Allele origin: not provided. Not counted in ClinVar's aggregate classification.

NM_000350.3(ABCA4):c.6693C>T (p.Ile2231=)

Gene: ABCA4 (ATP binding cassette subfamily A member 4; minus strand). Cytogenetic location: 1p22.1.
Variant type: single nucleotide variant.
Coding change: c.6693C>T on transcript NM_000350.3 (MANE Select); coding-DNA position 6693, C replaced by T.
Protein change: p.Ile2231=; no amino-acid change (isoleucine 2231 retained).
Molecular consequence: synonymous variant.
Genome position (GRCh38, 1-based): chr1:93,997,897, G>A on the plus strand (C>T on the coding strand, the complement: ABCA4 is on the minus strand). VCF-style: chr1-93997897-G-A. GRCh37 (hg19) VCF-style: chr1-94463453-G-A.
Other names: c.6471C>T, p.Ile2157= (NM_001425324.1).
Identifiers: ClinVar variation 99482 (VCV000099482.12), dbSNP rs1801626, ClinGen allele CA227433.